The following is an entry in ClinVar:

NM_138694.4(PKHD1):c.5509C>T (p.Leu1837Phe)

Gene: PKHD1 (PKHD1 ciliary IPT domain containing fibrocystin/polyductin; minus strand). Cytogenetic location: 6p12.2.
Variant type: single nucleotide variant.
Coding change: c.5509C>T on transcript NM_138694.4 (MANE Select); coding-DNA position 5509, C replaced by T.
Protein change: p.Leu1837Phe; replaces leucine 1837 with phenylalanine.
Molecular consequence: missense variant.
Genome position (GRCh38, 1-based): chr6:52,017,501, G>A on the plus strand (C>T on the coding strand, the complement: PKHD1 is on the minus strand). VCF-style: chr6-52017501-G-A. GRCh37 (hg19) VCF-style: chr6-51882299-G-A.
Other names: c.5509C>T, p.Leu1837Phe (NM_170724.3); short protein forms L1837F.
Identifiers: ClinVar variation 5004835 (VCV005004835.1).

ClinVar aggregate classification (germline): Uncertain significance (1 of 4 stars; one submission).

Conditions:
Polycystic kidney disease 4 (PKD4). Also called: PKD3; POLYCYSTIC KIDNEY AND HEPATIC DISEASE 1; POLYCYSTIC KIDNEY DISEASE, INFANTILE, TYPE I; POLYCYSTIC KIDNEY DISEASE 4 WITH OR WITHOUT POLYCYSTIC LIVER DISEASE; Autosomal Recessive Polycystic Kidney Disease – PKHD1. Identifiers: MedGen C4540575, MONDO:0033004, OMIM 263200.

Submission:

Myriad Genetics, Inc.
Classification: Uncertain significance for Polycystic kidney disease 4. Last evaluated: 2025-11-20. Review status: criteria provided, single submitter. Criteria: Myriad Autosomal Dominant, Autosomal Recessive and X-Linked Classification Criteria (2023). Collection method: clinical testing. Allele origin: unknown.
Comment: NM_138694.3(PKHD1):c.5509C>T(L1837F) is a missense variant classified as a variant of uncertain significance in the context of autosomal recessive polycystic kidney disease, PKHD1-related. L1837F has not been observed in cases with relevant disease. Relevant functional assessments of this variant are not available in the literature. L1837F has not been observed in referenced population frequency databases. In summary, there is insufficient evidence to classify NM_138694.3(PKHD1):c.5509C>T(L1837F) as pathogenic or benign. Please note: this variant was assessed in the context of healthy population screening.